The following is an entry in ClinVar:

NM_182961.4(SYNE1):c.19787A>G (p.Gln6596Arg)

Gene: SYNE1 (spectrin repeat containing nuclear envelope protein 1; minus strand). Cytogenetic location: 6q25.2.
Variant type: single nucleotide variant.
Coding change: c.19787A>G on transcript NM_182961.4 (MANE Select); coding-DNA position 19787, A replaced by G.
Protein change: p.Gln6596Arg; replaces glutamine 6596 with arginine.
Molecular consequence: missense variant.
Genome position (GRCh38, 1-based): chr6:152,242,346, T>C on the plus strand (A>G on the coding strand, the complement: SYNE1 is on the minus strand). VCF-style: chr6-152242346-T-C. GRCh37 (hg19) VCF-style: chr6-152563481-T-C.
Other names: c.19574A>G, p.Gln6525Arg (NM_033071.5); short protein forms Q6525R, Q6596R.
Identifiers: ClinVar variation 954187 (VCV000954187.9), dbSNP rs2085923878, ClinGen allele CA366129812.

ClinVar aggregate classification (germline): Uncertain significance (1 of 4 stars; one submission).

Conditions:
Autosomal recessive ataxia, Beauce type. Also called: Spinocerebellar ataxia, autosomal recessive 8; ATAXIA, RECESSIVE, OF BEAUCE; SYNE1-Related Autosomal Recessive Cerebellar Ataxia; SYNE1 Deficiency. Identifiers: Orphanet 88644, MedGen C1853116, MONDO:0012549, OMIM 610743.
Emery-Dreifuss muscular dystrophy 4, autosomal dominant (EDMD4). Also called: EMERY-DREIFUSS MUSCULAR DYSTROPHY 4 WITH VARIABLE FEATURES. Identifiers: Orphanet 261, MedGen C2751807, MONDO:0013071, OMIM 612998.

Allele frequency attached by ClinVar (database versions not stated): gnomAD exomes below 0.00001.
gnomAD v4.1: 2 of 1,614,092 alleles (0.00012%); highest among the groups gnomAD compares: Non-Finnish European, 0.00017%; no homozygotes.

Submission:

Labcorp Genetics (formerly Invitae), Labcorp
Classification: Uncertain significance for Emery-Dreifuss muscular dystrophy 4, autosomal dominant; Autosomal recessive ataxia, Beauce type. Last evaluated: 2022-09-06. Review status: criteria provided, single submitter. Criteria: Invitae Variant Classification Sherloc (09022015). Collection method: clinical testing. Allele origin: germline.
Comment: In summary, the available evidence is currently insufficient to determine the role of this variant in disease. Therefore, it has been classified as a Variant of Uncertain Significance. Algorithms developed to predict the effect of missense changes on protein structure and function are either unavailable or do not agree on the potential impact of this missense change (SIFT: "Deleterious"; PolyPhen-2: "Benign"; Align-GVGD: "Class C35"). This variant is not present in population databases (gnomAD no frequency). This sequence change replaces glutamine, which is neutral and polar, with arginine, which is basic and polar, at codon 6525 of the SYNE1 protein (p.Gln6525Arg). This variant has not been reported in the literature in individuals affected with SYNE1-related conditions. ClinVar contains an entry for this variant (Variation ID: 954187).